The following is an entry in ClinVar:

ClinVar aggregate classification (germline): Conflicting classifications of pathogenicity. Review status: criteria provided, conflicting classifications (1 of 4 stars). 6 submissions from 5 submitters: Uncertain significance (1); Likely benign (5). Last evaluated 2025-12-23.

Conditions:
Autosomal dominant nonsyndromic hearing loss 12. Also called: DEAFNESS, AUTOSOMAL DOMINANT 8. Identifiers: Orphanet 90635, MedGen C1832187, MONDO:0011102, OMIM 601543.
Autosomal recessive nonsyndromic hearing loss 21. Identifiers: Orphanet 90636, MedGen C1863655, MONDO:0011351, OMIM 603629.

Allele frequency attached by ClinVar (database versions not stated): gnomAD 0.00023 and 0.00024; ExAC 0.00040; gnomAD exomes 0.00028; TOPMed 0.00028; ESP Exome Variant Server 0.00031.
gnomAD v4.1: 394 of 1,605,386 alleles (0.025%); highest among the groups gnomAD compares: Non-Finnish European, 0.032%; no homozygotes.

Submissions (6):

Labcorp Genetics (formerly Invitae), Labcorp
Classification: Likely benign. Last evaluated: 2025-12-23. Review status: criteria provided, single submitter. Criteria: Invitae Variant Classification Sherloc (09022015). Collection method: clinical testing. Allele origin: germline.

Blueprint Genetics
Classification: Likely benign. Last evaluated: 2024-11-20. Review status: criteria provided, single submitter. Criteria: ACMG Guidelines, 2015. Collection method: clinical testing. Allele origin: germline.

GeneDx
Classification: Likely benign. Last evaluated: 2020-09-09. Review status: criteria provided, single submitter. Criteria: GeneDx Variant Classification Process June 2021. Collection method: clinical testing. Allele origin: germline. Affected: yes.

Illumina Laboratory Services, Illumina
Classification: Likely benign for Autosomal dominant nonsyndromic hearing loss 12. Last evaluated: 2018-01-13. Review status: criteria provided, single submitter. Criteria: ICSL Variant Classification Criteria 13 December 2019. Collection method: clinical testing. Allele origin: germline.
Comment: This variant was observed in the ICSL laboratory as part of a predisposition screen in an ostensibly healthy population. It had not been previously curated by ICSL or reported in the Human Gene Mutation Database (HGMD: prior to June 1st, 2018), and was therefore a candidate for classification through an automated scoring system. Utilizing variant allele frequency, disease prevalence and penetrance estimates, and inheritance mode, an automated score was calculated to assess if this variant is too frequent to cause the disease. Based on the score and internal cut-off values, a variant classified as likely benign is not then subjected to further curation. The score for this variant resulted in a classification of likely benign for this disease.

Illumina Laboratory Services, Illumina
Classification: Uncertain significance for Autosomal recessive nonsyndromic hearing loss 21. Last evaluated: 2018-01-13. Review status: criteria provided, single submitter. Criteria: ICSL Variant Classification Criteria 13 December 2019. Collection method: clinical testing. Allele origin: germline.

Laboratory for Molecular Medicine, Mass General Brigham Personalized Medicine
Classification: Likely benign. Last evaluated: 2012-04-30. Review status: criteria provided, single submitter. Criteria: LMM Criteria. Collection method: clinical testing. Allele origin: germline. Observed: 1 variant allele.
Comment: Ser900Ser in Exon 09 of TECTA: This variant is not expected to have clinical sig nificance because it does not alter an amino acid residue, is not located within the splice consensus sequence, and has been identified in 2/7020 European Ameri can chromosomes from a broad population by the NHLBI Exome Sequencing Project.

NM_005422.4(TECTA):c.2700G>A (p.Ser900=)

Genes: TBCEL-TECTA (TBCEL-TECTA readthrough; plus strand), TECTA (tectorin alpha; plus strand), LOC126861365 (P300/CBP strongly-dependent group 1 enhancer GRCh37_chr11:121000154-121001353; plus strand). Cytogenetic location: 11q23.3.
Variant type: single nucleotide variant.
Coding change: c.2700G>A on transcript NM_005422.4 (MANE Select); coding-DNA position 2700, G replaced by A.
Protein change: p.Ser900=; no amino-acid change (serine 900 retained).
Molecular consequence: synonymous variant.
Genome position (GRCh38, 1-based): chr11:121,129,970, G>A. VCF-style: chr11-121129970-G-A. GRCh37 (hg19) VCF-style: chr11-121000679-G-A.
Other names: c.3657G>A, p.Ser1219= (NM_001378761.1).
Identifiers: ClinVar variation 667169 (VCV000667169.18), dbSNP rs375406423, ClinGen allele CA6327041.
Genomic context (GRCh38, chr11:121,129,970, plus strand): 5'-TTTCGAGGAGATCTGCAATGGAGAGTGTGGGGACCTGCTGAAGGCCTGCAACAATGACTC[G>A]GAGCTGCTCAAGTTTTATCGAAGCCGCTCCAGGTGCGGCATCATCAACGACCCCTCCAAC-3'
Protein context (NP_005413.2, residues 890-910): GDLLKACNND[Ser900=]ELLKFYRSRS